The following is an entry in ClinVar:

NM_001374828.1(ARID1B):c.1853dup (p.His619fs)

Gene: ARID1B (AT-rich interaction domain 1B; plus strand). Cytogenetic location: 6q25.3.
Variant type: Duplication.
Coding change: c.1853dup on transcript NM_001374828.1 (MANE Select); coding-DNA position 1853, one base duplicated (C; older notation c.1853dupC).
Protein change: p.His619fs; shifts the reading frame from histidine 619.
Molecular consequence: frameshift variant.
Genome position (GRCh38, 1-based): chr6:156,829,288, C duplicated; the last of 3 consecutive C bases (chr6:156,829,286-156,829,288); duplicating any one gives the same sequence. VCF-style (leftmost placement, unchanged base first): chr6-156829285-A-AC. GRCh37 (hg19) VCF-style: chr6-157150419-A-AC.
Other names: c.1604dup, p.His536Serfs (NM_001346813.1, NM_020732.3); c.1853dup, p.His619fs (NM_001371656.1, NM_001374820.1, NM_017519.3); c.1430dup, p.His478Serfs (NM_175863.2); short protein forms H619fs.
Identifiers: ClinVar variation 2444310 (VCV002444310.1), dbSNP rs2547122632, ClinGen allele CA2580075251.
Genomic context (GRCh38, chr6:156,829,285, plus strand): 5'-AGGGCAGCCCAATGGATCCAATGGTGATGAAGAGACCTCAGTTGTATGGCATGGGCAGTA[A>AC]CCCTCATTCTCAGCCTCAGCAGAGCAGTCCGTACCCAGGAGGTTCCTATGGCCCTCCAGG-3'

ClinVar aggregate classification (germline): Likely pathogenic (1 of 4 stars; one submission).

Conditions:
Coffin-Siris syndrome 1 (CSS1). Also called: ARID1B-Related Coffin-Siris Syndrome; Mental retardation, autosomal dominant 12. Identifiers: Orphanet 1465, MedGen C3281201, MONDO:0007617, OMIM 135900. Disease mechanism: gain of function.

Submission:

3billion
Classification: Likely pathogenic for Coffin-Siris syndrome 1. Last evaluated: 2023-02-23. Review status: criteria provided, single submitter. Criteria: ACMG Guidelines, 2015. Collection method: clinical testing. Allele origin: unknown. Affected: yes.
Comment: The variant is not observed in the gnomAD v2.1.1 dataset. This variant was predicted to result in a loss or disruption of normal protein function through nonsense-mediated decay (NMD) or protein truncation. Multiple pathogenic variants are reported downstream of the variant. Therefore, this variant is classified as Likely pathogenic according to the recommendation of ACMG/AMP guideline.